The following is an entry in ClinVar:

NM_001110556.2(FLNA):c.3751C>A (p.Pro1251Thr)

Gene: FLNA (filamin A; minus strand). Cytogenetic location: Xq28.
Variant type: single nucleotide variant.
Coding change: c.3751C>A on transcript NM_001110556.2 (MANE Select); coding-DNA position 3751, C replaced by A.
Protein change: p.Pro1251Thr; replaces proline 1251 with threonine.
Molecular consequence: missense variant.
Genome position (GRCh38, 1-based): chrX:154,360,044, G>T on the plus strand (C>A on the coding strand, the complement: FLNA is on the minus strand). VCF-style: chrX-154360044-G-T. GRCh37 (hg19) VCF-style: chrX-153588412-G-T.
Other names: c.3751C>A, p.Pro1251Thr (NM_001456.4); short protein forms P1251T.
Identifiers: ClinVar variation 4792278 (VCV004792278.1).

ClinVar aggregate classification (germline): Uncertain significance (1 of 4 stars; one submission).

Conditions:
Heterotopia, periventricular, X-linked dominant (PVNH1). Also called: PERIVENTRICULAR NODULAR HETEROTOPIA 1; X-linked periventricular heterotopia; PERIVENTRICULAR NODULAR HETEROTOPIA 4; HETEROTOPIA, PERIVENTRICULAR, 1. Identifiers: Orphanet 2149, Orphanet 82004, MedGen C1848213, MONDO:0010233, OMIM 300049.
Melnick-Needles syndrome (MNS). Also called: MELNICK-NEEDLES OSTEODYSPLASTY; OSTEODYSPLASTY OF MELNICK AND NEEDLES; Melnick-Needles Syndrome (FLNA-MNS). Identifiers: Orphanet 2484, MedGen C0025237, MONDO:0010650, OMIM 309350.
Frontometaphyseal dysplasia (FMD1). Identifiers: Orphanet 1826, MedGen C0265293, MONDO:0015942.
Oto-palato-digital syndrome, type II (OPD2). Also called: FACIOPALATOOSSEOUS SYNDROME; OPD II SYNDROME; Otopalatodigital Syndrome Type 2 (FLNA-OPD2); Otopalatodigital Syndrome, Type II. Identifiers: Orphanet 669, Orphanet 90652, MedGen C1844696, MONDO:0010571, OMIM 304120.

Submission:

Labcorp Genetics (formerly Invitae), Labcorp
Classification: Uncertain significance for Oto-palato-digital syndrome, type II; Heterotopia, periventricular, X-linked dominant; Frontometaphyseal dysplasia; Melnick-Needles syndrome. Last evaluated: 2025-12-15. Review status: criteria provided, single submitter. Criteria: Invitae Variant Classification Sherloc (09022015). Collection method: clinical testing. Allele origin: germline.
Comment: This sequence change replaces proline, which is neutral and non-polar, with threonine, which is neutral and polar, at codon 1251 of the FLNA protein (p.Pro1251Thr). This variant is not present in population databases (gnomAD no frequency). This variant has not been reported in the literature in individuals affected with FLNA-related conditions. Invitae Evidence Modeling of protein sequence and biophysical properties (such as structural, functional, and spatial information, amino acid conservation, physicochemical variation, residue mobility, and thermodynamic stability) has been performed for this missense variant. However, the output from this modeling did not meet the statistical confidence thresholds required to predict the impact of this variant on FLNA protein function. In summary, the available evidence is currently insufficient to determine the role of this variant in disease. Therefore, it has been classified as a Variant of Uncertain Significance.